The following is an entry in ClinVar:

NM_001244008.2(KIF1A):c.2813G>A (p.Arg938Gln)

Gene: KIF1A (kinesin family member 1A; minus strand). Cytogenetic location: 2q37.3.
Variant type: single nucleotide variant.
Coding change: c.2813G>A on transcript NM_001244008.2 (MANE Select); coding-DNA position 2813, G replaced by A.
Protein change: p.Arg938Gln; replaces arginine 938 with glutamine.
Molecular consequence: missense variant. On other transcripts: intron variant (18).
Genome position (GRCh38, 1-based): chr2:240,757,364, C>T on the plus strand (G>A on the coding strand, the complement: KIF1A is on the minus strand). VCF-style: chr2-240757364-C-T. GRCh37 (hg19) VCF-style: chr2-241696781-C-T.
Other names: c.2888G>A, p.Arg963Gln (NM_001379631.1); c.2762G>A, p.Arg921Gln (NM_001379632.1); c.2786G>A, p.Arg929Gln (NM_001379633.1, NM_001379642.1, NM_001379645.1); c.2555+996G>A (NM_001379653.1, NM_001379650.1, NM_001379640.1 and 6 more transcripts); c.2657+996G>A (NM_001379635.1, NM_001330290.2, NM_001379646.1 and 1 more transcripts); c.2630+996G>A (NM_001379637.1, NM_001379648.1); c.2582+996G>A (NM_001320705.2, NM_001379638.1, NM_001330289.2); short protein forms R938Q, R921Q, R929Q, R963Q.
Identifiers: ClinVar variation 378046 (VCV000378046.54), dbSNP rs192102667, ClinGen allele CA2208015.
Genomic context (GRCh38, chr2:240,757,364, plus strand): 5'-CTCGACCTCACCAACCTTCCTACTAAACTGAACAGGGGGGGCCGGTCGTAAAACGGGTCC[C>T]GGCCGTCGCACAGCGCGTGCTCCGGAAAGACGTCGTCCTCCAGGTCCTCCTCCTCCTCAT-3'
Protein context (NP_001230937.1, residues 928-948): VFPEHALCDG[Arg938Gln]DPFYDRPPLF

ClinVar aggregate classification (germline): Benign/Likely benign. Review status: criteria provided, multiple submitters, no conflicts (2 of 4 stars). 7 submissions from 7 submitters: Benign (1); Likely benign (5). 1 of the submissions does not count toward it. Last evaluated 2026-07-01.

Conditions:
Inborn genetic diseases. Identifiers: MedGen C0950123, MeSH D030342.
KIF1A-related disorder. Also called: KIF1A-related disorders; KIF1A-related condition.

Allele frequency attached by ClinVar (database versions not stated): gnomAD 0.00038; 1000 Genomes Project 0.00060; 1000 Genomes Project 30x 0.00078; TOPMed 0.00081; gnomAD exomes 0.00085 and 0.00168; ExAC 0.00282.
gnomAD v4.1: 1,397 of 1,550,662 alleles (0.09%); highest among the groups gnomAD compares: Middle Eastern, 1.2%; 10 homozygotes.

Submissions (7):

CeGaT Center for Human Genetics Tuebingen
Classification: Likely benign. Last evaluated: 2026-07-01. Review status: criteria provided, single submitter. Criteria: CeGaT Center For Human Genetics Tuebingen Variant Classification Criteria Version 2. Collection method: clinical testing. Allele origin: germline. Affected: yes. Observed: 8 variant alleles.
Comment: KIF1A: PP2, BP4, BS2

Blueprint Genetics
Classification: Likely benign. Last evaluated: 2024-11-26. Review status: criteria provided, single submitter. Criteria: ACMG Guidelines, 2015. Collection method: clinical testing. Allele origin: germline.

Athena Diagnostics
Classification: Benign. Last evaluated: 2021-04-23. Review status: criteria provided, single submitter. Criteria: Athena Diagnostics criteria. Collection method: clinical testing. Allele origin: unknown.

GeneDx
Classification: Likely benign. Last evaluated: 2021-03-30. Review status: criteria provided, single submitter. Criteria: GeneDx Variant Classification Process June 2021. Collection method: clinical testing. Allele origin: germline. Affected: yes.

ARUP Laboratories, Molecular Genetics and Genomics, ARUP Laboratories
Classification: Likely benign. Last evaluated: 2020-01-22. Review status: criteria provided, single submitter. Criteria: ARUP Molecular Germline Variant Investigation Process. Collection method: clinical testing. Allele origin: germline.

Ambry Genetics
Classification: Likely benign for Inborn genetic diseases. Last evaluated: 2019-12-12. Review status: criteria provided, single submitter. Criteria: Ambry Variant Classification Scheme 2023. Collection method: clinical testing. Allele origin: germline.

PreventionGenetics, part of Exact Sciences
Classification: Benign for KIF1A-related condition. Last evaluated: 2024-03-13. Review status: no assertion criteria provided. Collection method: clinical testing. Allele origin: germline. Not counted in ClinVar's aggregate classification.
Comment: This variant is classified as benign based on ACMG/AMP sequence variant interpretation guidelines (Richards et al. 2015 PMID: 25741868, with internal and published modifications).